The following is an entry in ClinVar:

NM_001105206.3(LAMA4):c.3110+3A>G

Gene: LAMA4 (laminin subunit alpha 4; minus strand). Cytogenetic location: 6q21.
Variant type: single nucleotide variant.
Coding change: c.3110+3A>G on transcript NM_001105206.3 (MANE Select); 3 bases into the intron after coding-DNA position 3110, A replaced by G.
Molecular consequence: intron variant.
Genome position (GRCh38, 1-based): chr6:112,139,749, T>C on the plus strand (A>G on the coding strand, the complement: LAMA4 is on the minus strand). VCF-style: chr6-112139749-T-C. GRCh37 (hg19) VCF-style: chr6-112460951-T-C.
Other names: c.3089+3A>G (NM_002290.5, NM_001105207.3).
Identifiers: ClinVar variation 1727417 (VCV001727417.2), dbSNP rs2547021053, ClinGen allele CA2578718567.

ClinVar aggregate classification (germline): Uncertain significance (1 of 4 stars; one submission).

Conditions:
Cardiovascular phenotype. Identifiers: MedGen CN230736.

Submission:

Ambry Genetics
Classification: Uncertain significance for Cardiovascular phenotype. Last evaluated: 2022-03-08. Review status: criteria provided, single submitter. Criteria: Ambry Variant Classification Scheme 2023. Collection method: clinical testing. Allele origin: germline.
Comment: The c.3089+3A>G intronic variant results from an A to G substitution 3 nucleotides after coding exon 22 in the LAMA4 gene. This nucleotide position is well conserved in available vertebrate species. In silico splice site analysis predicts that this alteration may weaken the native splice donor site. The evidence for this gene-disease relationship is limited; therefore, the clinical significance of this alteration is unclear.